The following is an entry in ClinVar:

NM_001375808.2(LPIN2):c.410T>C (p.Ile137Thr)

Gene: LPIN2 (lipin 2; minus strand). Cytogenetic location: 18p11.31.
Variant type: single nucleotide variant.
Coding change: c.410T>C on transcript NM_001375808.2 (MANE Select); coding-DNA position 410, T replaced by C.
Protein change: p.Ile137Thr; replaces isoleucine 137 with threonine.
Molecular consequence: missense variant.
Genome position (GRCh38, 1-based): chr18:2,951,235, A>G on the plus strand (T>C on the coding strand, the complement: LPIN2 is on the minus strand). VCF-style: chr18-2951235-A-G. GRCh37 (hg19) VCF-style: chr18-2951233-A-G.
Other names: c.410T>C, p.Ile137Thr (NM_001375809.1, NM_014646.2); short protein forms I137T.
Identifiers: ClinVar variation 967598 (VCV000967598.7), dbSNP rs2077531992, ClinGen allele CA401709132.
Genomic context (GRCh38, chr18:2,951,235, plus strand): 5'-CGTTTTTTCTTTTTCACAGAACTTGGAGTAAAAATTGTCTCTGTTTCCAAGACGTGTGAG[A>G]TGTCTGAACTCTGAGATGGTGTTTCATCTCCACCCGATTTCACCAAAGGGGTGTCAATAT-3'
Protein context (NP_001362737.1, residues 127-147): GDETPSQSSD[Ile137Thr]SHVLETETIF

ClinVar aggregate classification (germline): Uncertain significance (1 of 4 stars; one submission).

Conditions:
Majeed syndrome (MJDS). Also called: CHRONIC RECURRENT MULTIFOCAL OSTEOMYELITIS 1, WITH CONGENITAL DYSERYTHROPOIETIC ANEMIA, WITH OR WITHOUT NEUTROPHILIC DERMATOSIS; LPIN2-Related Majeed Syndrome. Identifiers: Orphanet 77297, MedGen C1864997, MONDO:0012316, OMIM 609628.

Submission:

Labcorp Genetics (formerly Invitae), Labcorp
Classification: Uncertain significance for Majeed syndrome. Last evaluated: 2021-09-01. Review status: criteria provided, single submitter. Criteria: Invitae Variant Classification Sherloc (09022015). Collection method: clinical testing. Allele origin: germline.
Comment: This sequence change replaces isoleucine with threonine at codon 137 of the LPIN2 protein (p.Ile137Thr). The isoleucine residue is weakly conserved and there is a moderate physicochemical difference between isoleucine and threonine. This variant is not present in population databases (ExAC no frequency). This variant has not been reported in the literature in individuals affected with LPIN2-related conditions. Algorithms developed to predict the effect of missense changes on protein structure and function (SIFT, PolyPhen-2, Align-GVGD) all suggest that this variant is likely to be tolerated. In summary, the available evidence is currently insufficient to determine the role of this variant in disease. Therefore, it has been classified as a Variant of Uncertain Significance.